The following is an entry in ClinVar:

ClinVar aggregate classification (germline): Pathogenic (1 of 4 stars; one submission).

Conditions:
Duchenne muscular dystrophy (DMD). Also called: MUSCULAR DYSTROPHY, PSEUDOHYPERTROPHIC PROGRESSIVE, DUCHENNE TYPE; Duchenne Muscular Dystrophy (DMD). Identifiers: Orphanet 98896, MedGen C0013264, MONDO:0010679, OMIM 310200.

Submission:

Laboratory of Medical Genetics, National & Kapodistrian University of Athens
Classification: Pathogenic for Duchenne muscular dystrophy. Last evaluated: 2022-12-16. Review status: criteria provided, single submitter. Criteria: ACMG Guidelines, 2015. Collection method: clinical testing. Allele origin: germline. Affected: yes.
Comment: PVS1, PM2, PP5

Literature cited by the submitters: PubMed 33101180.

NM_004006.3(DMD):c.2787_2788del (p.Lys930fs)

Gene: DMD (dystrophin; minus strand). Cytogenetic location: Xp21.1.
Variant type: Microsatellite.
Coding change: c.2787_2788del on transcript NM_004006.3 (MANE Select); coding-DNA positions 2787 to 2788, 2 bases deleted (GA; older notation c.2787_2788delGA).
Protein change: p.Lys930fs; shifts the reading frame from lysine 930.
Molecular consequence: frameshift variant.
Genome position (GRCh38, 1-based): chrX:32,484,934-32,484,935, TC deleted on the plus strand (GA on the coding strand, the reverse complement: DMD is on the minus strand); deleting any 2 consecutive bases within chrX:32,484,934-32,484,940 gives the same sequence; the c. name uses the placement nearest the transcript's 3' end. VCF-style (leftmost placement, unchanged base first): chrX-32484933-TTC-T. GRCh37 (hg19) VCF-style: chrX-32503050-TTC-T.
Other names: c.2763_2764del, p.Lys922fs (NM_000109.4); c.2775_2776del, p.Lys926fs (NM_004009.3); c.2418_2419del, p.Lys807fs (NM_004010.3); short protein forms K807fs, K922fs, K926fs, K930fs.
Identifiers: ClinVar variation 1806410 (VCV001806410.1), dbSNP rs2524911784, ClinGen allele CA2580616938.